The following is an entry in ClinVar:

NM_007050.6(PTPRT):c.3622A>G (p.Ser1208Gly)

Gene: PTPRT (protein tyrosine phosphatase receptor type T; minus strand). Cytogenetic location: 20q12.
Variant type: single nucleotide variant.
Coding change: c.3622A>G on transcript NM_007050.6 (MANE Select); coding-DNA position 3622, A replaced by G.
Protein change: p.Ser1208Gly; replaces serine 1208 with glycine.
Molecular consequence: missense variant.
Genome position (GRCh38, 1-based): chr20:42,102,216, T>C on the plus strand (A>G on the coding strand, the complement: PTPRT is on the minus strand). VCF-style: chr20-42102216-T-C. GRCh37 (hg19) VCF-style: chr20-40730856-T-C.
Other names: c.3679A>G, p.Ser1227Gly (NM_001394024.1, NM_133170.4); c.3646A>G, p.Ser1216Gly (NM_001394025.1); c.3619A>G, p.Ser1207Gly (NM_001394026.1); short protein forms S1207G, S1208G, S1216G, S1227G.
Identifiers: ClinVar variation 3044785 (VCV003044785.2), dbSNP rs149070505, ClinGen allele CA9863819.

ClinVar aggregate classification (germline): Likely benign (0 of 4 stars; one submission).

Conditions:
PTPRT-related disorder. Also called: PTPRT-related condition.

Allele frequency attached by ClinVar (database versions not stated): gnomAD exomes 0.00004; ExAC 0.00017; 1000 Genomes Project 30x 0.00047; TOPMed 0.00053; gnomAD 0.00054; ESP Exome Variant Server 0.00055; 1000 Genomes Project 0.00060.
gnomAD v4.1: 149 of 1,614,112 alleles (0.0092%); highest among the groups gnomAD compares: African/African-American, 0.18%; no homozygotes.

Submission:

PreventionGenetics, part of Exact Sciences
Classification: Likely benign for PTPRT-related condition. Last evaluated: 2022-05-27. Review status: no assertion criteria provided. Collection method: clinical testing. Allele origin: germline.
Comment: This variant is classified as likely benign based on ACMG/AMP sequence variant interpretation guidelines (Richards et al. 2015 PMID: 25741868, with internal and published modifications).